The following is an entry in ClinVar:

NM_018292.5(QRSL1):c.223G>A (p.Val75Ile)

Gene: QRSL1 (glutaminyl-tRNA amidotransferase subunit QRSL1; plus strand). Cytogenetic location: 6q21.
Variant type: single nucleotide variant.
Coding change: c.223G>A on transcript NM_018292.5 (MANE Select); coding-DNA position 223, G replaced by A.
Protein change: p.Val75Ile; replaces valine 75 with isoleucine.
Molecular consequence: missense variant.
Genome position (GRCh38, 1-based): chr6:106,640,861, G>A. VCF-style: chr6-106640861-G-A. GRCh37 (hg19) VCF-style: chr6-107088736-G-A.
Other names: short protein forms V75I.
Identifiers: ClinVar variation 2110573 (VCV002110573.4), dbSNP rs367555359, ClinGen allele CA145007502.

ClinVar aggregate classification (germline): Uncertain significance (1 of 4 stars; one submission).

Allele frequency attached by ClinVar (database versions not stated): gnomAD exomes below 0.00001.
gnomAD v4.1: 1 of 1,613,722 alleles (0.000062%); highest among the groups gnomAD compares: Non-Finnish European, 0.000085%; no homozygotes.

Submission:

Labcorp Genetics (formerly Invitae), Labcorp
Classification: Uncertain significance. Last evaluated: 2023-10-03. Review status: criteria provided, single submitter. Criteria: Invitae Variant Classification Sherloc (09022015). Collection method: clinical testing. Allele origin: germline.
Comment: This sequence change replaces valine, which is neutral and non-polar, with isoleucine, which is neutral and non-polar, at codon 75 of the QRSL1 protein (p.Val75Ile). This variant is not present in population databases (gnomAD no frequency). This variant has not been reported in the literature in individuals affected with QRSL1-related conditions. ClinVar contains an entry for this variant (Variation ID: 2110573). Advanced modeling of protein sequence and biophysical properties (such as structural, functional, and spatial information, amino acid conservation, physicochemical variation, residue mobility, and thermodynamic stability) performed at Invitae indicates that this missense variant is not expected to disrupt QRSL1 protein function. In summary, the available evidence is currently insufficient to determine the role of this variant in disease. Therefore, it has been classified as a Variant of Uncertain Significance.